The following is an entry in ClinVar:

NM_007294.4(BRCA1):c.5332+9C>G

Gene: BRCA1 (BRCA1 DNA repair associated; minus strand). Cytogenetic location: 17q21.31.
Variant type: single nucleotide variant.
Coding change: c.5332+9C>G on transcript NM_007294.4 (MANE Select); 9 bases into the intron after coding-DNA position 5332, C replaced by G.
Molecular consequence: intron variant.
Genome position (GRCh38, 1-based): chr17:43,051,054, G>C on the plus strand (C>G on the coding strand, the complement: BRCA1 is on the minus strand). VCF-style: chr17-43051054-G-C. GRCh37 (hg19) VCF-style: chr17-41203071-G-C.
Other names: c.1879+9C>G (NM_001408458.1, NM_001408461.1, NM_001408464.1 and 7 more transcripts); c.4441+9C>G (NM_001407967.1); c.4951+9C>G (NM_001407959.1); c.5065+9C>G (NM_001407931.1, NM_001407932.1, NM_001407928.1 and 4 more transcripts); c.5188+9C>G (NM_001407747.1, NM_001407745.1, NM_001407737.1 and 21 more transcripts); c.4948+9C>G (NM_001407962.1, NM_001407960.1); c.1519+9C>G (NM_001408512.1); c.1642+9C>G (NM_001408510.1); and 74 more.
Identifiers: ClinVar variation 868001 (VCV000868001.3), dbSNP rs2051192763, ClinGen allele CA916081011.

Conditions:
Breast-ovarian cancer, familial, susceptibility to, 1 (BROVCA1). Also called: BRCA1 Hereditary Breast and Ovarian Cancer; OVARIAN CANCER, SUSCEPTIBILITY TO. Identifiers: Orphanet 145, MedGen C2676676, MONDO:0011450, OMIM 604370. Disease mechanism: loss of function.

Submission:

Brotman Baty Institute, University of Washington
No classification provided (evidence only). Condition: Breast-ovarian cancer, familial 1. Review status: no classification provided. Collection method: in vitro. Allele origin: not applicable. Functional consequence: functionally_normal.
ClinVar note: "not provided" was previously submitted as the classification for the variant. However, the classification appeared to be based only on an observation of functional data so it was converted to no classification on 2025-07-30.